The following is an entry in ClinVar:

NM_001127208.3(TET2):c.532G>C (p.Glu178Gln)

Genes: TET2 (tet methylcytosine dioxygenase 2; plus strand), TET2-AS1 (TET2 antisense RNA 1; minus strand). Cytogenetic location: 4q24.
Variant type: single nucleotide variant.
Coding change: c.532G>C on transcript NM_001127208.3 (MANE Select); coding-DNA position 532, G replaced by C.
Protein change: p.Glu178Gln; replaces glutamic acid 178 with glutamine.
Molecular consequence: missense variant.
Genome position (GRCh38, 1-based): chr4:105,234,474, G>C. VCF-style: chr4-105234474-G-C. GRCh37 (hg19) VCF-style: chr4-106155631-G-C.
Other names: c.532G>C, p.Glu178Gln (NM_017628.4); short protein forms E178Q.
Identifiers: ClinVar variation 5030701 (VCV005030701.1).

ClinVar aggregate classification (germline): Uncertain significance (1 of 4 stars; one submission).

Submission:

Ambry Genetics
Classification: Uncertain significance. Last evaluated: 2026-07-05. Review status: criteria provided, single submitter. Criteria: Ambry Variant Classification Scheme 2023. Collection method: clinical testing. Allele origin: germline.
Comment: The p.E178Q variant (also known as c.532G>C), located in coding exon 1 of the TET2 gene, results from a G to C substitution at nucleotide position 532. The glutamic acid at codon 178 is replaced by glutamine, an amino acid with highly similar properties. This amino acid position is conserved. In addition, this alteration is predicted to be tolerated by in silico analysis. Based on the available evidence, the clinical significance of this variant remains unclear.